The following is an entry in ClinVar:

NM_005215.4(DCC):c.3529G>C (p.Asp1177His)

Gene: DCC (DCC netrin 1 receptor; plus strand). Cytogenetic location: 18q21.2.
Variant type: single nucleotide variant.
Coding change: c.3529G>C on transcript NM_005215.4 (MANE Select); coding-DNA position 3529, G replaced by C.
Protein change: p.Asp1177His; replaces aspartic acid 1177 with histidine.
Molecular consequence: missense variant.
Genome position (GRCh38, 1-based): chr18:53,459,368, G>C. VCF-style: chr18-53459368-G-C. GRCh37 (hg19) VCF-style: chr18-50985738-G-C.
Other names: short protein forms D1177H.
Identifiers: ClinVar variation 1723498 (VCV001723498.2), dbSNP rs2511429656, ClinGen allele CA402516173.

ClinVar aggregate classification (germline): Uncertain significance (1 of 4 stars; one submission).

Submission:

GeneDx
Classification: Uncertain significance. Last evaluated: 2022-05-10. Review status: criteria provided, single submitter. Criteria: GeneDx Variant Classification Process June 2021. Collection method: clinical testing. Allele origin: germline. Affected: yes.
Comment: Not observed at significant frequency in large population cohorts (gnomAD); In silico analysis supports that this missense variant has a deleterious effect on protein structure/function; Has not been previously published as pathogenic or benign to our knowledge